The following is an entry in ClinVar:

ClinVar aggregate classification (germline): Pathogenic/Likely pathogenic. Review status: criteria provided, multiple submitters, no conflicts (2 of 4 stars). 2 submissions from 2 submitters: Pathogenic (1); Likely pathogenic (1). Last evaluated 2025-01-12.

Conditions:
PDZD7-related disorder. Also called: PDZD7-related condition; PDZD7-related disorders.

gnomAD v4.1: 1 of 1,590,558 alleles (0.000063%); highest among the groups gnomAD compares: African/African-American, 0.0013%; no homozygotes.

Submissions (2):

Labcorp Genetics (formerly Invitae), Labcorp
Classification: Pathogenic. Last evaluated: 2025-01-12. Review status: criteria provided, single submitter. Criteria: Invitae Variant Classification Sherloc (09022015). Collection method: clinical testing. Allele origin: germline.
Comment: This sequence change creates a premature translational stop signal (p.Glu442*) in the PDZD7 gene. It is expected to result in an absent or disrupted protein product. Loss-of-function variants in PDZD7 are known to be pathogenic (PMID: 20440071). This variant is not present in population databases (gnomAD no frequency). This variant has not been reported in the literature in individuals affected with PDZD7-related conditions. Algorithms developed to predict the effect of sequence changes on RNA splicing suggest that this variant may disrupt the consensus splice site. For these reasons, this variant has been classified as Pathogenic.

Blueprint Genetics
Classification: Likely pathogenic for PDZD7-related disorders. Last evaluated: 2023-03-28. Review status: criteria provided, single submitter. Criteria: ACMG Guidelines, 2015. Collection method: clinical testing. Allele origin: germline. Affected: yes. Observed: 2 variant alleles.

Literature cited by the submitters: PubMed 20440071 (cited by Labcorp Genetics (formerly Invitae), Labcorp).

NM_001195263.2(PDZD7):c.1324G>T (p.Glu442Ter)

Gene: PDZD7 (PDZ domain containing 7; minus strand). Cytogenetic location: 10q24.31.
Variant type: single nucleotide variant.
Coding change: c.1324G>T on transcript NM_001195263.2 (MANE Select); coding-DNA position 1324, G replaced by T.
Protein change: p.Glu442Ter; replaces glutamic acid 442 with a stop codon.
Molecular consequence: nonsense. On other transcripts: missense variant (1).
Genome position (GRCh38, 1-based): chr10:101,018,822, C>A on the plus strand (G>T on the coding strand, the complement: PDZD7 is on the minus strand). VCF-style: chr10-101018822-C-A. GRCh37 (hg19) VCF-style: chr10-102778579-C-A.
Other names: c.1324G>T, p.Ala442Ser (NM_001351044.2); c.1324G>T, p.Glu442Ter (NM_024895.5); short protein forms A442S, E442*.
Identifiers: ClinVar variation 3689418 (VCV003689418.3).